The following is an entry in ClinVar:

NM_001376.5(DYNC1H1):c.8625C>G (p.Asn2875Lys)

Gene: DYNC1H1 (dynein cytoplasmic 1 heavy chain 1; plus strand). Cytogenetic location: 14q32.31.
Variant type: single nucleotide variant.
Coding change: c.8625C>G on transcript NM_001376.5 (MANE Select); coding-DNA position 8625, C replaced by G.
Protein change: p.Asn2875Lys; replaces asparagine 2875 with lysine.
Molecular consequence: missense variant.
Genome position (GRCh38, 1-based): chr14:102,022,868, C>G. VCF-style: chr14-102022868-C-G. GRCh37 (hg19) VCF-style: chr14-102489205-C-G.
Other names: short protein forms N2875K.
Identifiers: ClinVar variation 1310686 (VCV001310686.2), dbSNP rs2048402177, ClinGen allele CA391007258.
Genomic context (GRCh38, chr14:102,022,868, plus strand): 5'-GAAGCACTTCCCTAACATCGACAGAGAGAAGGCAATGAGCCGACCCATCTTGTACAGCAA[C>G]TGGCTGTCAAAGGTAGCAAACTCGCATCATTTCAGACATACTTCTTTTTCTGCCATCCCT-3'
Protein context (NP_001367.2, residues 2865-2885): KAMSRPILYS[Asn2875Lys]WLSKDYIPVD

ClinVar aggregate classification (germline): Uncertain significance (1 of 4 stars; one submission).

Submission:

GeneDx
Classification: Uncertain significance. Last evaluated: 2019-12-02. Review status: criteria provided, single submitter. Criteria: GeneDx Variant Classification Process June 2021. Collection method: clinical testing. Allele origin: germline. Affected: yes.
Comment: Not observed in large population cohorts (Lek et al., 2016); In silico analysis, which includes protein predictors and evolutionary conservation, supports a deleterious effect; Has not been previously published as pathogenic or benign to our knowledge